The following is an entry in ClinVar:

NM_002085.5(GPX4):c.85-426C>T

Genes: GPX4 (glutathione peroxidase 4; plus strand), LOC130062887 (ATAC-STARR-seq lymphoblastoid silent region 9665; plus strand). Cytogenetic location: 19p13.3.
Variant type: single nucleotide variant.
Coding change: c.85-426C>T on transcript NM_002085.5 (MANE Select); 426 bases into the intron before coding-DNA position 85, C replaced by T.
Molecular consequence: intron variant. On other transcripts: missense variant (1).
Genome position (GRCh38, 1-based): chr19:1,104,760, C>T. VCF-style: chr19-1104760-C-T. GRCh37 (hg19) VCF-style: chr19-1104759-C-T.
Other names: c.4-426C>T (NM_001367832.1); c.26C>T, p.Pro9Leu (NM_001039848.4); c.85-426C>T (NM_001039847.3); short protein forms P9L.
Identifiers: ClinVar variation 1470379 (VCV001470379.6), dbSNP rs1599807387, ClinGen allele CA402934597.

ClinVar aggregate classification (germline): Uncertain significance (1 of 4 stars; one submission).

Allele frequency attached by ClinVar (database versions not stated): gnomAD exomes 0.00001.

Submission:

Labcorp Genetics (formerly Invitae), Labcorp
Classification: Uncertain significance. Last evaluated: 2021-03-18. Review status: criteria provided, single submitter. Criteria: Invitae Variant Classification Sherloc (09022015). Collection method: clinical testing. Allele origin: germline.
Comment: The frequency data for this variant in the population databases is considered unreliable, as metrics indicate insufficient coverage at this position in the ExAC database. This sequence change replaces proline with leucine at codon 9 of the GPX4 protein (p.Pro9Leu). The proline residue is weakly conserved and there is a moderate physicochemical difference between proline and leucine. This variant has not been reported in the literature in individuals with GPX4-related conditions. In summary, the available evidence is currently insufficient to determine the role of this variant in disease. Therefore, it has been classified as a Variant of Uncertain Significance. Algorithms developed to predict the effect of missense changes on protein structure and function are either unavailable or do not agree on the potential impact of this missense change (SIFT: "Tolerated"; PolyPhen-2: "Not Available"; Align-GVGD: "Class C0").